The following is an entry in ClinVar:

ClinVar aggregate classification (germline): Uncertain significance. Review status: criteria provided, multiple submitters, no conflicts (2 of 4 stars). 3 submissions from 3 submitters: Uncertain significance (3). Last evaluated 2025-08-03.

Conditions:
Familial hypercholesterolemia. Also called: Familial hypercholesterolaemia. Identifiers: MedGen C0020445, MONDO:0005439.
Cardiovascular phenotype. Identifiers: MedGen CN230736.

Allele frequency attached by ClinVar (database versions not stated): ExAC 0.00002; gnomAD 0.00002; TOPMed 0.00002.
gnomAD v4.1: 10 of 1,599,704 alleles (0.00063%); highest among the groups gnomAD compares: African/African-American, 0.013%; no homozygotes.

Submissions (3):

Ambry Genetics
Classification: Uncertain significance for Cardiovascular phenotype. Last evaluated: 2025-08-03. Review status: criteria provided, single submitter. Criteria: Ambry Variant Classification Scheme 2023. Collection method: clinical testing. Allele origin: germline.
Comment: The p.S294N variant (also known as c.881G>A), located in coding exon 6 of the PCSK9 gene, results from a G to A substitution at nucleotide position 881. The serine at codon 294 is replaced by asparagine, an amino acid with highly similar properties. This amino acid position is highly conserved in available vertebrate species. In addition, this alteration is predicted to be tolerated by in silico analysis. Since supporting evidence is limited at this time, the clinical significance of this alteration remains unclear.

Color Diagnostics, LLC DBA Color Health
Classification: Uncertain significance for Familial hypercholesterolemia. Last evaluated: 2023-11-13. Review status: criteria provided, single submitter. Criteria: ACMG Guidelines, 2015. Collection method: clinical testing. Allele origin: germline.
Comment: This missense variant replaces serine with asparagine at codon 294 of the PCSK9 protein. Computational prediction suggests that this variant may not impact protein structure and function (internally defined REVEL score threshold <= 0.5, PMID: 27666373). To our knowledge, functional studies have not been reported for this variant. This variant has not been reported in individuals affected with PCSK9-related disorders in the literature. This variant has been identified in 6/234616 chromosomes in the general population by the Genome Aggregation Database (gnomAD). The available evidence is insufficient to determine the role of this variant in disease conclusively. Therefore, this variant is classified as a Variant of Uncertain Significance.

GeneDx
Classification: Uncertain significance. Last evaluated: 2022-07-14. Review status: criteria provided, single submitter. Criteria: GeneDx Variant Classification Process June 2021. Collection method: clinical testing. Allele origin: germline. Affected: yes.
Comment: In silico analysis supports that this missense variant does not alter protein structure/function; Has not been previously published as pathogenic or benign to our knowledge

NM_174936.4(PCSK9):c.881G>A (p.Ser294Asn)

Gene: PCSK9 (proprotein convertase subtilisin/kexin type 9; plus strand). Cytogenetic location: 1p32.3.
Variant type: single nucleotide variant.
Coding change: c.881G>A on transcript NM_174936.4 (MANE Select); coding-DNA position 881, G replaced by A.
Protein change: p.Ser294Asn; replaces serine 294 with asparagine.
Molecular consequence: missense variant.
Genome position (GRCh38, 1-based): chr1:55,056,074, G>A. VCF-style: chr1-55056074-G-A. GRCh37 (hg19) VCF-style: chr1-55521747-G-A.
Other names: c.1004G>A, p.Ser335Asn (NM_001407240.1); c.881G>A, p.Ser294Asn (NM_001407241.1, NM_001407244.1, NM_001407247.1); c.884G>A, p.Ser295Asn (NM_001407242.1); c.824G>A, p.Ser275Asn (NM_001407243.1); c.689G>A, p.Ser230Asn (NM_001407245.1); c.506G>A, p.Ser169Asn (NM_001407246.1); short protein forms S169N, S230N, S275N, S294N, S295N, S335N.
Identifiers: ClinVar variation 1878963 (VCV001878963.6), dbSNP rs746219017, ClinGen allele CA044907.